The following is an entry in ClinVar:

ClinVar aggregate classification (germline): Uncertain significance. Review status: criteria provided, multiple submitters, no conflicts (2 of 4 stars). 2 submissions from 2 submitters: Uncertain significance (2). Last evaluated 2025-10-16.

Conditions:
Inborn genetic diseases. Identifiers: MedGen C0950123, MeSH D030342.
Fanconi anemia (FA). Also called: Fanconi's anemia. Identifiers: Orphanet 84, MedGen C0015625, MeSH D005199, MONDO:0019391.

gnomAD v4.1: 5 of 1,551,488 alleles (0.00032%); highest among the groups gnomAD compares: South Asian, 0.0012%; no homozygotes.

Submissions (2):

Ambry Genetics
Classification: Uncertain significance for Inborn genetic diseases. Last evaluated: 2025-10-16. Review status: criteria provided, single submitter. Criteria: Ambry Variant Classification Scheme 2023. Collection method: clinical testing. Allele origin: germline.
Comment: The p.N644T variant (also known as c.1931A>C), located in coding exon 22 of the FANCA gene, results from an A to C substitution at nucleotide position 1931. The asparagine at codon 644 is replaced by threonine, an amino acid with similar properties. This amino acid position is conserved. In addition, this alteration is predicted to be tolerated by in silico analysis. Based on the available evidence, the clinical significance of this variant remains unclear.

Labcorp Genetics (formerly Invitae), Labcorp
Classification: Uncertain significance for Fanconi anemia. Last evaluated: 2025-01-14. Review status: criteria provided, single submitter. Criteria: Invitae Variant Classification Sherloc (09022015). Collection method: clinical testing. Allele origin: germline.
Comment: This sequence change replaces asparagine, which is neutral and polar, with threonine, which is neutral and polar, at codon 644 of the FANCA protein (p.Asn644Thr). This variant is not present in population databases (gnomAD no frequency). This variant has not been reported in the literature in individuals affected with FANCA-related conditions. Invitae Evidence Modeling of protein sequence and biophysical properties (such as structural, functional, and spatial information, amino acid conservation, physicochemical variation, residue mobility, and thermodynamic stability) indicates that this missense variant is not expected to disrupt FANCA protein function with a negative predictive value of 95%. In summary, the available evidence is currently insufficient to determine the role of this variant in disease. Therefore, it has been classified as a Variant of Uncertain Significance.

NM_000135.4(FANCA):c.1931A>C (p.Asn644Thr)

Gene: FANCA (FA complementation group A; minus strand). Cytogenetic location: 16q24.3.
Variant type: single nucleotide variant.
Coding change: c.1931A>C on transcript NM_000135.4 (MANE Select); coding-DNA position 1931, A replaced by C.
Protein change: p.Asn644Thr; replaces asparagine 644 with threonine.
Molecular consequence: missense variant.
Genome position (GRCh38, 1-based): chr16:89,773,354, T>G on the plus strand (A>C on the coding strand, the complement: FANCA is on the minus strand). VCF-style: chr16-89773354-T-G. GRCh37 (hg19) VCF-style: chr16-89839762-T-G.
Other names: c.1931A>C, p.Asn644Thr (NM_001286167.3); short protein forms N644T.
Identifiers: ClinVar variation 3706001 (VCV003706001.3).